The following is an entry in ClinVar:

ClinVar aggregate classification (germline): Uncertain significance (1 of 4 stars; one submission).

Allele frequency attached by ClinVar (database versions not stated): gnomAD exomes below 0.00001 and 0.00002; TOPMed 0.00001; ExAC 0.00002.
gnomAD v4.1: 6 of 1,610,962 alleles (0.00037%); highest among the groups gnomAD compares: Admixed American, 0.01%; no homozygotes.

Submission:

Labcorp Genetics (formerly Invitae), Labcorp
Classification: Uncertain significance. Last evaluated: 2021-09-17. Review status: criteria provided, single submitter. Criteria: Invitae Variant Classification Sherloc (09022015). Collection method: clinical testing. Allele origin: germline.
Comment: This sequence change replaces lysine with arginine at codon 2462 of the CPLANE1 protein (p.Lys2462Arg). The lysine residue is moderately conserved and there is a small physicochemical difference between lysine and arginine. This variant is present in population databases (rs771587067, ExAC 0.03%). This variant has not been reported in the literature in individuals affected with CPLANE1-related conditions. Advanced modeling of protein sequence and biophysical properties (such as structural, functional, and spatial information, amino acid conservation, physicochemical variation, residue mobility, and thermodynamic stability) performed at Invitae indicates that this missense variant is not expected to disrupt CPLANE1 protein function. In summary, the available evidence is currently insufficient to determine the role of this variant in disease. Therefore, it has been classified as a Variant of Uncertain Significance.

NM_001384732.1(CPLANE1):c.7385A>G (p.Lys2462Arg)

Gene: CPLANE1 (ciliogenesis and planar polarity effector complex subunit 1; minus strand). Cytogenetic location: 5p13.2.
Variant type: single nucleotide variant.
Coding change: c.7385A>G on transcript NM_001384732.1 (MANE Select); coding-DNA position 7385, A replaced by G.
Protein change: p.Lys2462Arg; replaces lysine 2462 with arginine.
Molecular consequence: missense variant.
Genome position (GRCh38, 1-based): chr5:37,167,062, T>C on the plus strand (A>G on the coding strand, the complement: CPLANE1 is on the minus strand). VCF-style: chr5-37167062-T-C. GRCh37 (hg19) VCF-style: chr5-37167164-T-C.
Other names: c.7385A>G, p.Lys2462Arg (NM_023073.4); short protein forms K2462R.
Identifiers: ClinVar variation 1451078 (VCV001451078.5), dbSNP rs771587067, ClinGen allele CA3238080.